The following is an entry in ClinVar:

ClinVar aggregate classification (germline): Pathogenic (1 of 4 stars; one submission).

Conditions:
Juvenile polyposis syndrome (JPS). Identifiers: Orphanet 2929, MedGen C0345893, MONDO:0017380, OMIM 174900.

Submission:

Labcorp Genetics (formerly Invitae), Labcorp
Classification: Pathogenic for Juvenile polyposis syndrome. Last evaluated: 2019-03-14. Review status: criteria provided, single submitter. Criteria: Invitae Variant Classification Sherloc (09022015). Collection method: clinical testing. Allele origin: germline.
Comment: For these reasons, this variant has been classified as Pathogenic. This variant is expected to delete a portion of the C-terminal region of the SMAD4 protein containing the MH2 domain (residues Trp323-Asp552) (PMID: 22243968). Although experimental studies have not been performed for this particular variant, deletion of the MH2 domain likely impairs complex formation of the SMAD4 protein for proper TGFβ signaling (PMID: 9389648, 12821112, 19135894). Downstream truncating variants affecting this domain have been observed in individuals affected with JP (PMID: 15031030). This suggests that deletion of this region of the SMAD4 protein is causative of disease. This variant has been observed to segregate with juvenile polyposis (JP) and colorectal cancer in a family (Invitae). In addition, a similar change (c.1409_1410insCCCT) giving rise to the same protein effect (p.Gly471Profs*24) has been observed in an individual with JP (PMID: 16287957). This variant is not present in population databases (ExAC no frequency). This sequence change results in a premature translational stop signal in the SMAD4 gene (p.Gly471Profs*24). While this is not anticipated to result in nonsense mediated decay, it is expected to disrupt the last 82 amino acids of the SMAD4 protein.

Literature cited by the submitters: PubMed 22243968; PubMed 9389648; PubMed 12821112; PubMed 19135894; PubMed 15031030; PubMed 16287957.

NM_005359.6(SMAD4):c.1407_1410dup (p.Gly471fs)

Gene: SMAD4 (SMAD family member 4; plus strand). Cytogenetic location: 18q21.2.
Variant type: Duplication.
Coding change: c.1407_1410dup on transcript NM_005359.6 (MANE Select); coding-DNA positions 1407 to 1410, 4 bases duplicated (CCCT; older notation c.1407_1410dupCCCT).
Protein change: p.Gly471fs; shifts the reading frame from glycine 471.
Molecular consequence: frameshift variant.
Genome position (GRCh38, 1-based): chr18:51,076,736-51,076,739, CCCT duplicated; duplicating any 4 consecutive bases within chr18:51,076,735-51,076,739 gives the same sequence; the c. name uses the placement nearest the transcript's 3' end. VCF-style (leftmost placement, unchanged base first): chr18-51076734-A-ATCCC. GRCh37 (hg19) VCF-style: chr18-48603104-A-ATCCC.
Other names: c.1407_1410dupCCCT (NM_005359.5); short protein forms G471fs.
Identifiers: ClinVar variation 529945 (VCV000529945.10), dbSNP rs1555687386, ClinGen allele CA658799052.